The following is an entry in ClinVar:

NM_004813.4(PEX16):c.*159C>T

Gene: PEX16 (peroxisomal biogenesis factor 16; minus strand). Cytogenetic location: 11p11.2.
Variant type: single nucleotide variant.
Coding change: c.*159C>T on transcript NM_004813.4 (MANE Select); 159 bases downstream of the stop codon, C replaced by T.
Molecular consequence: 3 prime UTR variant. On other transcripts: synonymous variant (1).
Genome position (GRCh38, 1-based): chr11:45,910,095, G>A on the plus strand (C>T on the coding strand, the complement: PEX16 is on the minus strand). VCF-style: chr11-45910095-G-A. GRCh37 (hg19) VCF-style: chr11-45931646-G-A.
Other names: c.1035C>T, p.His345= (NM_057174.3).
Identifiers: ClinVar variation 1284823 (VCV001284823.28), dbSNP rs78508822, ClinGen allele CA5959674.
Genomic context (GRCh38, chr11:45,910,095, plus strand): 5'-GGCCCAGCAGTGACAAGGTGCGGGCTGCAGTGGCATCGTCACAGGAGAGCGCAGTCAAGG[G>A]TGTCCTGGGAGGAACGCTGGTGGCGACCAGGGCTGTGTGTGGGGCCTGGCCGGTAGGCAC-3'

ClinVar aggregate classification (germline): Likely benign. Review status: criteria provided, multiple submitters, no conflicts (2 of 4 stars). 5 submissions from 5 submitters: Likely benign (3). 2 of the submissions do not count toward it. Last evaluated 2025-05-01.

Allele frequency attached by ClinVar (database versions not stated): gnomAD exomes 0.00033 and 0.00084; ExAC 0.00105; gnomAD 0.00291 and 0.00305; TOPMed 0.00325; 1000 Genomes Project 0.00499; 1000 Genomes Project 30x 0.00562.
gnomAD v4.1: 971 of 1,611,214 alleles (0.06%); highest among the groups gnomAD compares: African/African-American, 0.94%; 6 homozygotes.

Submissions (5):

CeGaT Center for Human Genetics Tuebingen
Classification: Likely benign. Last evaluated: 2025-05-01. Review status: criteria provided, single submitter. Criteria: CeGaT Center For Human Genetics Tuebingen Variant Classification Criteria Version 2. Collection method: clinical testing. Allele origin: germline. Affected: yes. Observed: 4 variant alleles.
Comment: PEX16: BP4, BP7

Blueprint Genetics
Classification: Likely benign. Last evaluated: 2024-11-25. Review status: criteria provided, single submitter. Criteria: ACMG Guidelines, 2015. Collection method: clinical testing. Allele origin: germline.

Breakthrough Genomics
Classification: Likely benign. Review status: criteria provided, single submitter. Criteria: ACMG Guidelines, 2015. Collection method: not provided. Allele origin: germline. Inheritance: Autosomal recessive inheritance. Affected: yes.

Clinical Genetics DNA and cytogenetics Diagnostics Lab, Erasmus MC, Erasmus Medical Center
Classification: Likely benign. Review status: no assertion criteria provided. Collection method: clinical testing. Allele origin: germline. Affected: yes. Study: VKGL Data-share Consensus. Not counted in ClinVar's aggregate classification.

Clinical Genetics, Academic Medical Center
Classification: Likely benign. Review status: no assertion criteria provided. Collection method: clinical testing. Allele origin: germline. Affected: yes. Study: VKGL Data-share Consensus. Not counted in ClinVar's aggregate classification.